The following is an entry in ClinVar:

ClinVar aggregate classification (germline): Uncertain significance (1 of 4 stars; one submission).

Allele frequency attached by ClinVar (database versions not stated): gnomAD 0.00001.
gnomAD v4.1: 7 of 1,549,080 alleles (0.00045%); highest among the groups gnomAD compares: Admixed American, 0.0097%; no homozygotes.

Submission:

Labcorp Genetics (formerly Invitae), Labcorp
Classification: Uncertain significance. Last evaluated: 2021-09-29. Review status: criteria provided, single submitter. Criteria: Invitae Variant Classification Sherloc (09022015). Collection method: clinical testing. Allele origin: germline.
Comment: In summary, the available evidence is currently insufficient to determine the role of this variant in disease. Therefore, it has been classified as a Variant of Uncertain Significance. Algorithms developed to predict the effect of sequence changes on RNA splicing suggest that this variant may disrupt the consensus splice site. This variant has not been reported in the literature in individuals affected with CRB2-related conditions. This variant is not present in population databases (ExAC no frequency). This sequence change falls in intron 5 of the CRB2 gene. It does not directly change the encoded amino acid sequence of the CRB2 protein.

NM_173689.7(CRB2):c.941-8T>A

Gene: CRB2 (crumbs cell polarity complex component 2; plus strand). Cytogenetic location: 9q33.3.
Variant type: single nucleotide variant.
Coding change: c.941-8T>A on transcript NM_173689.7 (MANE Select); 8 bases into the intron before coding-DNA position 941, T replaced by A.
Molecular consequence: intron variant.
Genome position (GRCh38, 1-based): chr9:123,367,565, T>A. VCF-style: chr9-123367565-T-A. GRCh37 (hg19) VCF-style: chr9-126129844-T-A.
Identifiers: ClinVar variation 1471518 (VCV001471518.6), dbSNP rs1483978161, ClinGen allele CA1128946508.